The following is an entry in ClinVar:

NM_004656.4(BAP1):c.375+111T>G

Gene: BAP1 (BRCA1 associated deubiquitinase 1; minus strand). Cytogenetic location: 3p21.1.
Variant type: single nucleotide variant.
Coding change: c.375+111T>G on transcript NM_004656.4 (MANE Select); 111 bases into the intron after coding-DNA position 375, T replaced by G.
Molecular consequence: intron variant.
Genome position (GRCh38, 1-based): chr3:52,407,847, A>C on the plus strand (T>G on the coding strand, the complement: BAP1 is on the minus strand). VCF-style: chr3-52407847-A-C. GRCh37 (hg19) VCF-style: chr3-52441863-A-C.
Identifiers: ClinVar variation 677744 (VCV000677744.2), dbSNP rs34712081, ClinGen allele CA15227773.
Genomic context (GRCh38, chr3:52,407,847, plus strand): 5'-TAAAAACAATGGCCTTACACAATTTATTTAAGAGTCAAATGTAACATAAACAATCATTTG[A>C]AAAAGAAACAGCCTAATAGTACCCAATATCATGTGGTAGCATTCCCAGTGGCCCTCAGGG-3'

ClinVar aggregate classification (germline): Likely benign. Review status: criteria provided, multiple submitters, no conflicts (2 of 4 stars). 2 submissions from 2 submitters: Likely benign (2). Last evaluated 2018-06-20.

Allele frequency attached by ClinVar (database versions not stated): 1000 Genomes Project 0.00699; 1000 Genomes Project 30x 0.00718; TOPMed 0.01135; gnomAD 0.01436 and 0.01462; gnomAD exomes 0.01848.
gnomAD v4.1: 27,135 of 1,513,968 alleles (1.8%); highest among the groups gnomAD compares: Non-Finnish European, 2%; 342 homozygotes.

Submissions (2):

GeneDx
Classification: Likely benign. Last evaluated: 2018-06-20. Review status: criteria provided, single submitter. Criteria: GeneDx Variant Classification (06012015). Collection method: clinical testing. Allele origin: germline. Affected: yes.
Comment: This variant is considered likely benign or benign based on one or more of the following criteria: it is a conservative change, it occurs at a poorly conserved position in the protein, it is predicted to be benign by multiple in silico algorithms, and/or has population frequency not consistent with disease.

Breakthrough Genomics
Classification: Likely benign. Review status: criteria provided, single submitter. Criteria: ACMG Guidelines, 2015. Collection method: not provided. Allele origin: germline. Inheritance: Autosomal dominant inheritance. Affected: yes.